The following is an entry in ClinVar:

NM_001009944.3(PKD1):c.11522A>G (p.Asn3841Ser)

Genes: PKD1 (polycystin 1, transient receptor potential channel interacting; minus strand), PKD1-AS1 (PKD1 antisense RNA 1; plus strand). Cytogenetic location: 16p13.3.
Variant type: single nucleotide variant.
Coding change: c.11522A>G on transcript NM_001009944.3 (MANE Select); coding-DNA position 11522, A replaced by G.
Protein change: p.Asn3841Ser; replaces asparagine 3841 with serine.
Molecular consequence: missense variant.
Genome position (GRCh38, 1-based): chr16:2,091,796, T>C on the plus strand (A>G on the coding strand, the complement: PKD1 is on the minus strand). VCF-style: chr16-2091796-T-C. GRCh37 (hg19) VCF-style: chr16-2141797-T-C.
Other names: c.11519A>G, p.Asn3840Ser (NM_000296.4); short protein forms N3841S, N3840S.
Identifiers: ClinVar variation 3573723 (VCV003573723.1).

ClinVar aggregate classification (germline): Uncertain significance. Review status: criteria provided, multiple submitters, no conflicts (2 of 4 stars). 2 submissions from 2 submitters: Uncertain significance (2). Last evaluated 2024-07-19.

Conditions:
Polycystic kidney disease, adult type (PKD1). Also called: POLYCYSTIC KIDNEY DISEASE 1 WITH OR WITHOUT POLYCYSTIC LIVER DISEASE; POLYCYSTIC KIDNEY DISEASE, ADULT, TYPE I; Polycystic Kidney Disease 1, Autosomal Dominant; Polycystic kidney disease 1; Polycystic kidney disease 1, severe; Polycystic Kidney, Autosomal Dominant. Identifiers: MedGen C3149841, MONDO:0008263, OMIM 173900.

gnomAD v4.1: 8 of 1,610,850 alleles (0.0005%); highest among the groups gnomAD compares: African/African-American, 0.0027%; no homozygotes.

Submissions (2):

GeneDx
Classification: Uncertain significance. Last evaluated: 2024-07-19. Review status: criteria provided, single submitter. Criteria: GeneDx Variant Classification Process June 2021. Collection method: clinical testing. Allele origin: germline. Affected: yes.
Comment: In silico analysis indicates that this missense variant does not alter protein structure/function; Has not been previously published as pathogenic or benign to our knowledge

Fulgent Genetics
Classification: Uncertain significance for Polycystic kidney disease, adult type. Last evaluated: 2024-04-17. Review status: criteria provided, single submitter. Criteria: ACMG Guidelines, 2015. Collection method: clinical testing. Allele origin: germline.